The following is an entry in ClinVar:

ClinVar aggregate classification (germline): Likely benign (1 of 4 stars; one submission).

Conditions:
PLXNA1-related disorder. Also called: PLXNA1-related condition.

Submission:

PreventionGenetics, part of Exact Sciences
Classification: Likely benign for PLXNA1-related condition. Last evaluated: 2025-07-31. Review status: criteria provided, single submitter. Criteria: ACMG Guidelines, 2015. Collection method: clinical testing. Allele origin: germline.
Comment: This variant is classified as likely benign based on ACMG/AMP sequence variant interpretation guidelines (Richards et al. 2015 PMID: 25741868, with internal and published modifications).

NM_032242.4(PLXNA1):c.5596-9G>T

Gene: PLXNA1 (plexin A1; plus strand). Cytogenetic location: 3q21.3.
Variant type: single nucleotide variant.
Coding change: c.5596-9G>T on transcript NM_032242.4 (MANE Select); 9 bases into the intron before coding-DNA position 5596, G replaced by T.
Molecular consequence: intron variant.
Genome position (GRCh38, 1-based): chr3:127,033,913, G>T. VCF-style: chr3-127033913-G-T. GRCh37 (hg19) VCF-style: chr3-126752756-G-T.
Identifiers: ClinVar variation 4998176 (VCV004998176.1).